The following is an entry in ClinVar:

NM_001267550.2(TTN):c.105815C>T (p.Thr35272Ile)

Genes: TTN (titin; minus strand), TTN-AS1 (TTN antisense RNA 1; plus strand), LOC129935183 (ATAC-STARR-seq lymphoblastoid active region 16808; plus strand). Cytogenetic location: 2q31.2.
Variant type: single nucleotide variant.
Coding change: c.105815C>T on transcript NM_001267550.2 (MANE Select); coding-DNA position 105815, C replaced by T.
Protein change: p.Thr35272Ile; replaces threonine 35272 with isoleucine.
Molecular consequence: missense variant.
Genome position (GRCh38, 1-based): chr2:178,530,800, G>A on the plus strand (C>T on the coding strand, the complement: TTN is on the minus strand). VCF-style: chr2-178530800-G-A. GRCh37 (hg19) VCF-style: chr2-179395527-G-A.
Other names: c.100892C>T, p.Thr33631Ile (NM_001256850.1); c.78620C>T, p.Thr26207Ile (NM_003319.4); c.98111C>T, p.Thr32704Ile (NM_133378.4); c.78995C>T, p.Thr26332Ile (NM_133432.3); c.79196C>T, p.Thr26399Ile (NM_133437.4); short protein forms T26207I, T26332I, T26399I, T32704I, T33631I, T35272I.
Identifiers: ClinVar variation 3763155 (VCV003763155.2).

ClinVar aggregate classification (germline): Uncertain significance (1 of 4 stars; one submission).

Conditions:
Autosomal recessive limb-girdle muscular dystrophy type 2J (LGMDR10). Also called: Limb-girdle muscular dystrophy, type 2J; MUSCULAR DYSTROPHY, LIMB-GIRDLE, AUTOSOMAL RECESSIVE 10. Identifiers: Orphanet 140922, MedGen C1837342, MONDO:0012127, OMIM 608807.
Dilated cardiomyopathy 1G (CMD1G). Identifiers: Orphanet 154, MedGen C1858763, MONDO:0011400, OMIM 604145.

gnomAD v4.1: 1 of 1,613,902 alleles (0.000062%); highest among the groups gnomAD compares: South Asian, 0.0011%; no homozygotes.

Submission:

Labcorp Genetics (formerly Invitae), Labcorp
Classification: Uncertain significance for Dilated cardiomyopathy 1G; Autosomal recessive limb-girdle muscular dystrophy type 2J. Last evaluated: 2024-11-04. Review status: criteria provided, single submitter. Criteria: Invitae Variant Classification Sherloc (09022015). Collection method: clinical testing. Allele origin: germline.
Comment: This sequence change replaces threonine, which is neutral and polar, with isoleucine, which is neutral and non-polar, at codon 35272 of the TTN protein (p.Thr35272Ile). This variant is present in population databases (no rsID available, gnomAD 0.003%). This missense change has been observed in individual(s) with clinical features of autosomal dominant TTN-related conditions (internal data). Experimental studies and prediction algorithms are not available or were not evaluated, and the functional significance of this variant is currently unknown. This variant is located in the M band of TTN (PMID: 25589632). Non-truncating variants in this region may be relevant for neuromuscular disorders, but have not been definitively shown to cause cardiomyopathy (PMID: 23975875). In summary, the available evidence is currently insufficient to determine the role of this variant in disease. Therefore, it has been classified as a Variant of Uncertain Significance.

Literature cited by the submitters: PubMed 25589632; PubMed 23975875.